The following is an entry in ClinVar:

ClinVar aggregate classification (germline): Likely benign (1 of 4 stars; one submission).

Allele frequency attached by ClinVar (database versions not stated): gnomAD 0.00001; TOPMed below 0.00001; gnomAD exomes 0.00001.
gnomAD v4.1: 5 of 1,567,184 alleles (0.00032%); highest among the groups gnomAD compares: Non-Finnish European, 0.00043%; no homozygotes.

Submission:

GeneDx
Classification: Likely benign. Last evaluated: 2017-03-14. Review status: criteria provided, single submitter. Criteria: GeneDx Variant Classification (06012015). Collection method: clinical testing. Allele origin: germline. Affected: yes.
Comment: This variant is considered likely benign or benign based on one or more of the following criteria: it is a conservative change, it occurs at a poorly conserved position in the protein, it is predicted to be benign by multiple in silico algorithms, and/or has population frequency not consistent with disease.

NM_007254.4(PNKP):c.1298+5C>T

Gene: PNKP (polynucleotide kinase 3'-phosphatase; minus strand). Cytogenetic location: 19q13.33.
Variant type: single nucleotide variant.
Coding change: c.1298+5C>T on transcript NM_007254.4 (MANE Select); 5 bases into the intron after coding-DNA position 1298, C replaced by T.
Molecular consequence: intron variant.
Genome position (GRCh38, 1-based): chr19:49,861,767, G>A on the plus strand (C>T on the coding strand, the complement: PNKP is on the minus strand). VCF-style: chr19-49861767-G-A. GRCh37 (hg19) VCF-style: chr19-50365024-G-A.
Identifiers: ClinVar variation 517814 (VCV000517814.1), dbSNP rs1171213214, ClinGen allele CA633894517.